The following is an entry in ClinVar:

NM_001206744.2(TPO):c.1249C>T (p.Leu417=)

Gene: TPO (thyroid peroxidase; plus strand). Cytogenetic location: 2p25.3.
Variant type: single nucleotide variant.
Coding change: c.1249C>T on transcript NM_001206744.2 (MANE Select); coding-DNA position 1249, C replaced by T.
Protein change: p.Leu417=; no amino-acid change (leucine 417 retained).
Molecular consequence: synonymous variant. On other transcripts: intron variant (1).
Genome position (GRCh38, 1-based): chr2:1,477,515, C>T. VCF-style: chr2-1477515-C-T. GRCh37 (hg19) VCF-style: chr2-1481287-C-T.
Other names: c.1249C>T, p.Leu417= (NM_000547.6, NM_001206745.2, NM_175719.4 and 1 more transcripts); c.820-7081C>T (NM_175722.3).
Identifiers: ClinVar variation 2732117 (VCV002732117.12), dbSNP rs767018779, ClinGen allele CA1511684.

ClinVar aggregate classification (germline): Likely benign. Review status: criteria provided, multiple submitters, no conflicts (2 of 4 stars). 3 submissions from 3 submitters: Likely benign (3). Last evaluated 2025-07-01.

Allele frequency attached by ClinVar (database versions not stated): gnomAD 0.00002; TOPMed 0.00002; gnomAD exomes 0.00003; ExAC 0.00009.
gnomAD v4.1: 41 of 1,532,586 alleles (0.0027%); highest among the groups gnomAD compares: Non-Finnish European, 0.0036%; no homozygotes.

Submissions (3):

CeGaT Center for Human Genetics Tuebingen
Classification: Likely benign. Last evaluated: 2025-07-01. Review status: criteria provided, single submitter. Criteria: CeGaT Center For Human Genetics Tuebingen Variant Classification Criteria Version 2. Collection method: clinical testing. Allele origin: germline. Affected: yes. Observed: 1 variant allele.
Comment: TPO: BP4, BP7

Blueprint Genetics
Classification: Likely benign. Last evaluated: 2024-06-04. Review status: criteria provided, single submitter. Criteria: ACMG Guidelines, 2015. Collection method: clinical testing. Allele origin: germline.

Labcorp Genetics (formerly Invitae), Labcorp
Classification: Likely benign. Last evaluated: 2023-10-13. Review status: criteria provided, single submitter. Criteria: Invitae Variant Classification Sherloc (09022015). Collection method: clinical testing. Allele origin: germline.